The following is an entry in ClinVar:

NM_024408.4(NOTCH2):c.2439C>T (p.Asp813=)

Gene: NOTCH2 (notch receptor 2; minus strand). Cytogenetic location: 1p12.
Variant type: single nucleotide variant.
Coding change: c.2439C>T on transcript NM_024408.4 (MANE Select); coding-DNA position 2439, C replaced by T.
Protein change: p.Asp813=; no amino-acid change (aspartic acid 813 retained).
Molecular consequence: synonymous variant.
Genome position (GRCh38, 1-based): chr1:119,950,764, G>A on the plus strand (C>T on the coding strand, the complement: NOTCH2 is on the minus strand). VCF-style: chr1-119950764-G-A. GRCh37 (hg19) VCF-style: chr1-120493387-G-A.
Other names: c.2439C>T, p.Asp813= (NM_001200001.2); c.2439C>T (NM_024408.3).
Identifiers: ClinVar variation 2056455 (VCV002056455.5), dbSNP rs781994761, ClinGen allele CA1040307.
Genomic context (GRCh38, chr1:119,950,764, plus strand): 5'-CTGGTACCTCCAGGACCCACCTGTGTATGGCAGCACACAGTGGCAAGTGTAGCCACTTAT[G>A]TCATCAAAGCAGGTTCCTTGGTTCAGGCATGGATTTGAGGCACATTCATCAATATTCACC-3'
Protein context (NP_077719.2, residues 803-823): PCLNQGTCFD[Asp813=]ISGYTCHCVL

ClinVar aggregate classification (germline): Likely benign. Review status: criteria provided, multiple submitters, no conflicts (2 of 4 stars). 2 submissions from 2 submitters: Likely benign (2). Last evaluated 2025-08-25.

Conditions:
NOTCH2-related disorder. Also called: NOTCH2-related condition.
Hajdu-Cheney syndrome (HJCYS). Also called: ACROOSTEOLYSIS WITH OSTEOPOROSIS AND CHANGES IN SKULL AND MANDIBLE; SERPENTINE FIBULA-POLYCYSTIC KIDNEY SYNDROME; Acroosteolysis dominant type. Identifiers: Orphanet 955, MedGen C0917715, MONDO:0007057, OMIM 102500.

Allele frequency attached by ClinVar (database versions not stated): ExAC 0.00001; gnomAD 0.00002; gnomAD exomes 0.00002.
gnomAD v4.1: 35 of 1,613,966 alleles (0.0022%); highest among the groups gnomAD compares: Admixed American, 0.0033%; no homozygotes.

Submissions (2):

Labcorp Genetics (formerly Invitae), Labcorp
Classification: Likely benign for Hajdu-Cheney syndrome. Last evaluated: 2025-08-25. Review status: criteria provided, single submitter. Criteria: Invitae Variant Classification Sherloc (09022015). Collection method: clinical testing. Allele origin: germline.

PreventionGenetics, part of Exact Sciences
Classification: Likely benign for NOTCH2-related condition. Last evaluated: 2025-04-11. Review status: criteria provided, single submitter. Criteria: ACMG Guidelines, 2015. Collection method: clinical testing. Allele origin: germline.
Comment: This variant is classified as likely benign based on ACMG/AMP sequence variant interpretation guidelines (Richards et al. 2015 PMID: 25741868, with internal and published modifications).